The following is an entry in ClinVar:

NM_032119.4(ADGRV1):c.357+8C>T

Gene: ADGRV1 (adhesion G protein-coupled receptor V1; plus strand). Cytogenetic location: 5q14.3.
Variant type: single nucleotide variant.
Coding change: c.357+8C>T on transcript NM_032119.4 (MANE Select); 8 bases into the intron after coding-DNA position 357, C replaced by T.
Molecular consequence: intron variant.
Genome position (GRCh38, 1-based): chr5:90,617,961, C>T. VCF-style: chr5-90617961-C-T. GRCh37 (hg19) VCF-style: chr5-89913778-C-T.
Other names: c.357+8C>T (NM_032119.3).
Identifiers: ClinVar variation 196564 (VCV000196564.37), dbSNP rs376004946, ClinGen allele CA243559.
Genomic context (GRCh38, chr5:90,617,961, plus strand): 5'-ATGATGACTTACCAGAGCCTGACGAAACTTTTATTTTTCACTTAACATTACAGGTAAGTC[C>T]GTGTTTCCTCCTTATAAAAATTATAAGGAGGACTTATAAAACTTATAAAAATCTTTTAGT-3'

ClinVar aggregate classification (germline): Conflicting classifications of pathogenicity. Review status: criteria provided, conflicting classifications (1 of 4 stars). 5 submissions from 5 submitters: Uncertain significance (1); Likely benign (3). 1 of the submissions does not count toward it. Last evaluated 2026-01-14.

Conditions:
ADGRV1-related disorder. Also called: ADGRV1-related condition; ADGRV1-related disorders.

Allele frequency attached by ClinVar (database versions not stated): gnomAD exomes 0.00007 and 0.00016; ESP Exome Variant Server 0.00008; ExAC 0.00025; 1000 Genomes Project 30x 0.00031; TOPMed 0.00036; gnomAD 0.00038 and 0.00039; 1000 Genomes Project 0.00040.
gnomAD v4.1: 154 of 1,531,564 alleles (0.01%); highest among the groups gnomAD compares: African/African-American, 0.097%; 1 homozygote.

Submissions (5):

Labcorp Genetics (formerly Invitae), Labcorp
Classification: Likely benign. Last evaluated: 2026-01-14. Review status: criteria provided, single submitter. Criteria: Invitae Variant Classification Sherloc (09022015). Collection method: clinical testing. Allele origin: germline.

Blueprint Genetics
Classification: Likely benign. Last evaluated: 2024-10-10. Review status: criteria provided, single submitter. Criteria: ACMG Guidelines, 2015. Collection method: clinical testing. Allele origin: germline.

CeGaT Center for Human Genetics Tuebingen
Classification: Likely benign. Last evaluated: 2024-03-01. Review status: criteria provided, single submitter. Criteria: CeGaT Center For Human Genetics Tuebingen Variant Classification Criteria Version 2. Collection method: clinical testing. Allele origin: germline. Affected: yes. Observed: 1 variant allele.
Comment: ADGRV1: BP4, BS1:Supporting

Eurofins Ntd Llc (ga)
Classification: Uncertain significance. Last evaluated: 2015-03-16. Review status: criteria provided, single submitter. Criteria: EGL Classification Definitions 2015. Collection method: clinical testing. Allele origin: germline. Observed: 1 variant allele, 1 heterozygote.

PreventionGenetics, part of Exact Sciences
Classification: Likely benign for ADGRV1-related condition. Last evaluated: 2019-06-05. Review status: no assertion criteria provided. Collection method: clinical testing. Allele origin: germline. Not counted in ClinVar's aggregate classification.
Comment: This variant is classified as likely benign based on ACMG/AMP sequence variant interpretation guidelines (Richards et al. 2015 PMID: 25741868, with internal and published modifications).